The following is an entry in ClinVar:

ClinVar aggregate classification (germline): Pathogenic. Review status: criteria provided, multiple submitters, no conflicts (2 of 4 stars). 10 submissions from 10 submitters: Pathogenic (8). 2 of the submissions do not count toward it. Last evaluated 2025-10-17.

Conditions:
Glycogen storage disease IIIa (GSD IIIa). Also called: Glycogen Storage Disease Type IIIa (GSD IIIa). Identifiers: MedGen C1968739.
Glycogen storage disease type III (GSD3). Also called: Cori disease; FORBES DISEASE. Identifiers: Orphanet 366, MedGen C0017922, MONDO:0009291, OMIM 232400.

Allele frequency attached by ClinVar (database versions not stated): ExAC 0.00001; gnomAD exomes 0.00001 and 0.00005; TOPMed 0.00003; gnomAD 0.00004.

Submissions (10):

Labcorp Genetics (formerly Invitae), Labcorp
Classification: Pathogenic for Glycogen storage disease type III. Last evaluated: 2025-10-17. Review status: criteria provided, single submitter. Criteria: Invitae Variant Classification Sherloc (09022015). Collection method: clinical testing. Allele origin: germline.
Comment: This sequence change creates a premature translational stop signal (p.Val1322Alafs*27) in the AGL gene. It is expected to result in an absent or disrupted protein product. Loss-of-function variants in AGL are known to be pathogenic (PMID: 19299494). This variant is present in population databases (rs113994132, gnomAD 0.004%). This premature translational stop signal has been observed in individual(s) with glycogen storage disease type III (PMID: 10655153). ClinVar contains an entry for this variant (Variation ID: 1103). For these reasons, this variant has been classified as Pathogenic.

Natera, Inc.
Classification: Pathogenic for Glycogen storage disease type III. Last evaluated: 2025-07-28. Review status: criteria provided, single submitter. Criteria: Natera Variant Classification Schema (03/2026). Collection method: clinical testing. Allele origin: germline.
Comment: The c.3965delT variant in AGL is a frameshift variant predicted to shift the reading frame beginning at codon 1322 and leads to a stop codon 27 codons downstream. This variant is expected to result in nonsense mediated decay, truncation, or a dysfunctional protein product. This variant is rare in the general population with a frequency below the threshold expected for the associated phenotype(s). This variant has been observed in one or more individuals affected with the associated recessive disease, as either homozygous or compound heterozygous with a second variant (PMID: 10655153). Given the available evidence, this variant is classified as Pathogenic.

Baylor Genetics
Classification: Pathogenic for Glycogen storage disease type III. Last evaluated: 2024-03-24. Review status: criteria provided, single submitter. Criteria: ACMG Guidelines, 2015. Collection method: clinical testing. Allele origin: unknown.

Fulgent Genetics
Classification: Pathogenic for Glycogen storage disease type III. Last evaluated: 2021-10-02. Review status: criteria provided, single submitter. Criteria: ACMG Guidelines, 2015. Collection method: clinical testing. Allele origin: unknown.

Genome-Nilou Lab
Classification: Pathogenic for Glycogen storage disease type III. Last evaluated: 2021-07-15. Review status: criteria provided, single submitter. Criteria: ACMG Guidelines, 2015. Collection method: clinical testing. Allele origin: germline. Affected: no.

Revvity Omics, Revvity
Classification: Pathogenic for Glycogen storage disease type III. Last evaluated: 2019-12-22. Review status: criteria provided, single submitter. Criteria: ACMG Guidelines, 2015. Collection method: clinical testing. Allele origin: germline.

Women's Health and Genetics/Laboratory Corporation of America, LabCorp
Classification: Pathogenic for Glycogen storage disease type III. Last evaluated: 2019-09-23. Review status: criteria provided, single submitter. Criteria: LabCorp Variant Classification Summary - May 2015. Collection method: clinical testing. Allele origin: germline.
Comment: Variant summary: AGL c.3965delT (p.Val1322AlafsX27, also known as c.3964delT) results in a premature termination codon, predicted to cause a truncation of the encoded protein or absence of the protein due to nonsense mediated decay, which are commonly known mechanisms for disease. Truncations downstream of this position have been classified as pathogenic by our laboratory. The variant allele was found at a frequency of 8e-06 in 250742 control chromosomes (gnomAD). c.3965delT has been reported in the literature in multiple individuals affected with Glycogen Storage Disease Type III (Shaiu_2000). These data indicate that the variant is very likely to be associated with disease. To our knowledge, no experimental evidence demonstrating an impact on protein function has been reported. A ClinVar submission (evaluation after 2014) cite the variant as pathogenic. Based on the evidence outlined above, the variant was classified as pathogenic.

Eurofins Ntd Llc (ga)
Classification: Pathogenic. Last evaluated: 2014-06-13. Review status: criteria provided, single submitter. Criteria: EGL Classification Definitions 2015. Collection method: clinical testing. Allele origin: germline.

OMIM
Classification: Pathogenic for GLYCOGEN STORAGE DISEASE, TYPE IIIa. Last evaluated: 2000-01-01. Review status: no assertion criteria provided. Collection method: literature only. Allele origin: germline. Not counted in ClinVar's aggregate classification.

GeneReviews
No classification provided. Condition: Glycogen storage disease type III. Review status: no classification provided. Collection method: literature only. Allele origin: germline. Not counted in ClinVar's aggregate classification.
Comment: Associated with more severe phenotype

Literature cited by the submitters: PubMed 19299494 (cited by Labcorp Genetics (formerly Invitae), Labcorp); PubMed 10655153 (cited by 5 submitters); NCBI Bookshelf NBK26372 (cited by GeneReviews).

NM_000642.3(AGL):c.3965del (p.Val1322fs)

Gene: AGL (amylo-alpha-1,6-glucosidase and 4-alpha-glucanotransferase; plus strand). Cytogenetic location: 1p21.2.
Variant type: Deletion.
Coding change: c.3965del on transcript NM_000642.3 (MANE Select); coding-DNA position 3965, one base deleted (T; older notation c.3965delT).
Protein change: p.Val1322fs; shifts the reading frame from valine 1322.
Molecular consequence: frameshift variant.
Genome position (GRCh38, 1-based): chr1:99,913,542, T deleted. VCF-style (leftmost placement, unchanged base first): chr1-99913541-GT-G. GRCh37 (hg19) VCF-style: chr1-100379097-GT-G.
Other names: c.3965delT, p.Val1322Alafs (NM_000028.3, NM_000643.3, NM_000644.3 and 1 more transcripts); c.3917delT, p.Val1306Alafs (NM_000646.3); c.3944delT, p.Val1315Alafs (NM_001425326.1); c.3764delT, p.Val1255Alafs (NM_001425327.1); c.3761delT, p.Val1254Alafs (NM_001425328.1); c.3626delT, p.Val1209Alafs (NM_001425329.1); c.3587delT, p.Val1196Alafs (NM_001425332.1); c.3965delT (NM_000642.3); and 1 more; short protein forms V1306fs, V1322fs.
Identifiers: ClinVar variation 1103 (VCV000001103.28), dbSNP rs113994132, ClinGen allele CA114763.